The following is an entry in ClinVar:

ClinVar aggregate classification (germline): Likely benign (1 of 4 stars; one submission).

Submission:

Women's Health and Genetics/Laboratory Corporation of America, LabCorp
Classification: Likely benign. Last evaluated: 2026-02-06. Review status: criteria provided, single submitter. Criteria: LabCorp Variant Classification Summary - May 2015. Collection method: clinical testing. Allele origin: germline.
Comment: Variant summary: ASXL1 c.732C>A alters a conserved nucleotide resulting in a synonymous change. Consensus agreement among computation tools predict no significant impact on normal splicing. However, these predictions have yet to be confirmed by functional studies. The variant was absent in 251488 control chromosomes. The available data on variant occurrences in the general population are insufficient to allow any conclusion about variant significance. To our knowledge, no occurrence of c.732C>A in individuals affected with ASXL1-related conditions and no experimental evidence demonstrating its impact on protein function have been reported. No submitters have cited clinical-significance assessments for this variant to ClinVar. Based on the evidence outlined above, the variant was classified as likely benign.

NM_015338.6(ASXL1):c.732C>A (p.Arg244=)

Gene: ASXL1 (ASXL transcriptional regulator 1; plus strand). Cytogenetic location: 20q11.21.
Variant type: single nucleotide variant.
Coding change: c.732C>A on transcript NM_015338.6 (MANE Select); coding-DNA position 732, C replaced by A.
Protein change: p.Arg244=; no amino-acid change (arginine 244 retained).
Molecular consequence: synonymous variant.
Genome position (GRCh38, 1-based): chr20:32,431,334, C>A. VCF-style: chr20-32431334-C-A. GRCh37 (hg19) VCF-style: chr20-31019137-C-A.
Other names: c.549C>A, p.Arg183= (NM_001363734.1).
Identifiers: ClinVar variation 4847995 (VCV004847995.1).